The following is an entry in ClinVar:

ClinVar aggregate classification (germline): Uncertain significance. Review status: criteria provided, multiple submitters, no conflicts (2 of 4 stars). 2 submissions from 2 submitters: Uncertain significance (2). Last evaluated 2025-09-23.

Conditions:
Inborn genetic diseases. Identifiers: MedGen C0950123, MeSH D030342.

gnomAD v4.1: 34 of 1,532,766 alleles (0.0022%); highest among the groups gnomAD compares: Non-Finnish European, 0.003%; no homozygotes.

Submissions (2):

Women's Health and Genetics/Laboratory Corporation of America, LabCorp
Classification: Uncertain significance. Last evaluated: 2025-09-23. Review status: criteria provided, single submitter. Criteria: LabCorp Variant Classification Summary - May 2015. Collection method: clinical testing. Allele origin: germline.
Comment: Variant summary: PIEZO1 c.1249C>T (p.His417Tyr) results in a conservative amino acid change in the encoded protein sequence. Algorithms developed to predict the effect of missense changes on protein structure and function all suggest that this variant is likely to be tolerated. The variant allele was found at a frequency of 7.2e-06 in 138470 control chromosomes. The available data on variant occurrences in the general population are insufficient to allow any conclusion about variant significance. To our knowledge, no occurrence of c.1249C>T in individuals affected with PIEZO1-related conditions and no experimental evidence demonstrating its impact on protein function have been reported. No submitters have cited clinical-significance assessments for this variant to ClinVar. Based on the evidence outlined above, the variant was classified as uncertain significance.

Ambry Genetics
Classification: Uncertain significance for Inborn genetic diseases. Last evaluated: 2025-07-31. Review status: criteria provided, single submitter. Criteria: Ambry Variant Classification Scheme 2023. Collection method: clinical testing. Allele origin: germline.

NM_001142864.4(PIEZO1):c.1249C>T (p.His417Tyr)

Genes: HSALR1 (HSP90AB1 associated lncRNA 1; plus strand), PIEZO1 (piezo type mechanosensitive ion channel component 1 (Er blood group); minus strand). Cytogenetic location: 16q24.3.
Variant type: single nucleotide variant.
Coding change: c.1249C>T on transcript NM_001142864.4 (MANE Select); coding-DNA position 1249, C replaced by T.
Protein change: p.His417Tyr; replaces histidine 417 with tyrosine.
Molecular consequence: missense variant.
Genome position (GRCh38, 1-based): chr16:88,736,686, G>A on the plus strand (C>T on the coding strand, the complement: PIEZO1 is on the minus strand). VCF-style: chr16-88736686-G-A. GRCh37 (hg19) VCF-style: chr16-88803094-G-A.
Other names: short protein forms H417Y.
Identifiers: ClinVar variation 4136403 (VCV004136403.2).